The following is an entry in ClinVar:

ClinVar aggregate classification (germline): Uncertain significance (1 of 4 stars; one submission).

Allele frequency attached by ClinVar (database versions not stated): gnomAD 0.00015; ExAC 0.00016; ESP Exome Variant Server 0.00016; gnomAD exomes 0.00022; TOPMed 0.00025.
gnomAD v4.1: 328 of 1,562,080 alleles (0.021%); highest among the groups gnomAD compares: Middle Eastern, 0.14%; no homozygotes.

Submission:

Labcorp Genetics (formerly Invitae), Labcorp
Classification: Uncertain significance. Last evaluated: 2025-08-12. Review status: criteria provided, single submitter. Criteria: Invitae Variant Classification Sherloc (09022015). Collection method: clinical testing. Allele origin: germline.
Comment: This sequence change replaces valine, which is neutral and non-polar, with methionine, which is neutral and non-polar, at codon 159 of the PLD3 protein (p.Val159Met). This variant is present in population databases (rs374184677, gnomAD 0.09%), and has an allele count higher than expected for a pathogenic variant. This variant has not been reported in the literature in individuals affected with PLD3-related conditions. ClinVar contains an entry for this variant (Variation ID: 2054536). An algorithm developed to predict the effect of missense changes on protein structure and function (PolyPhen-2) suggests that this variant is likely to be disruptive. In summary, the available evidence is currently insufficient to determine the role of this variant in disease. Therefore, it has been classified as a Variant of Uncertain Significance.

NM_012268.4(PLD3):c.475G>A (p.Val159Met)

Gene: PLD3 (phospholipase D family member 3; plus strand). Cytogenetic location: 19q13.2.
Variant type: single nucleotide variant.
Coding change: c.475G>A on transcript NM_012268.4 (MANE Select); coding-DNA position 475, G replaced by A.
Protein change: p.Val159Met; replaces valine 159 with methionine.
Molecular consequence: missense variant.
Genome position (GRCh38, 1-based): chr19:40,369,953, G>A. VCF-style: chr19-40369953-G-A. GRCh37 (hg19) VCF-style: chr19-40875860-G-A.
Other names: c.475G>A, p.Val159Met (NM_001031696.4, NM_001291311.2); short protein forms V159M.
Identifiers: ClinVar variation 2054536 (VCV002054536.4), dbSNP rs374184677, ClinGen allele CA9442745.
Genomic context (GRCh38, chr19:40,369,953, plus strand): 5'-CTCCCCTCCCCGCAGGGTGAGGAGGTCCTCCGGCAGCTGCAGACCCTGGCACCAAAGGGC[G>A]TGAACGTCCGCATCGCTGTGAGCAAGCCCAGCGGGCCCCAGCCACAGGCGGACCTGCAGG-3'
Protein context (NP_036400.2, residues 149-169): RQLQTLAPKG[Val159Met]NVRIAVSKPS